The following is an entry in ClinVar:

ClinVar aggregate classification (germline): Uncertain significance (1 of 4 stars; one submission).

gnomAD v4.1: 2 of 1,613,578 alleles (0.00012%); highest among the groups gnomAD compares: Non-Finnish European, 0.00017%; no homozygotes.

Submission:

Women's Health and Genetics/Laboratory Corporation of America, LabCorp
Classification: Uncertain significance. Last evaluated: 2025-09-05. Review status: criteria provided, single submitter. Criteria: LabCorp Variant Classification Summary - May 2015. Collection method: clinical testing. Allele origin: germline.
Comment: Variant summary: NPC1 c.2829C>G (p.Ile943Met) results in a conservative amino acid change in the encoded protein sequence. Algorithms developed to predict the effect of missense changes on protein structure and function are either unavailable or do not agree on the potential impact of this missense change. The variant was absent in 250244 control chromosomes (gnomAD). c.2829C>G has been observed in individuals affected with Niemann-Pick Disease Type C (e.g., Millat_2001, Fecarotta_2015, Dardis_2020). These data indicate that the variant may be associated with disease. To our knowledge, no experimental evidence demonstrating an impact on protein function has been reported. The following publications have been ascertained in the context of this evaluation (PMID: 11333381, 32138288, 25888393). No submitters have cited clinical-significance assessments for this variant to ClinVar. Based on the evidence outlined above, the variant was classified as VUS-possibly pathogenic.

Literature cited by the submitters: PubMed 11333381; PubMed 32138288; PubMed 25888393.

NM_000271.5(NPC1):c.2829C>G (p.Ile943Met)

Gene: NPC1 (NPC intracellular cholesterol transporter 1; minus strand). Cytogenetic location: 18q11.2.
Variant type: single nucleotide variant.
Coding change: c.2829C>G on transcript NM_000271.5 (MANE Select); coding-DNA position 2829, C replaced by G.
Protein change: p.Ile943Met; replaces isoleucine 943 with methionine.
Molecular consequence: missense variant.
Genome position (GRCh38, 1-based): chr18:23,539,437, G>C on the plus strand (C>G on the coding strand, the complement: NPC1 is on the minus strand). VCF-style: chr18-23539437-G-C. GRCh37 (hg19) VCF-style: chr18-21119401-G-C.
Other names: short protein forms I943M.
Identifiers: ClinVar variation 4535725 (VCV004535725.1).
Genomic context (GRCh38, chr18:23,539,437, plus strand): 5'-AGTGATATTGTCCACTCGACAGCAAGACGACTGTGGCTTCACCCAGTCGAAATAATCGTC[G>C]ATCCAGGACGAGGGGGCGAAGCCTATTCGGGTACTAGAGAGGACAGACAGGGTTACTGAC-3'
Protein context (NP_000262.2, residues 933-953): TRIGFAPSSW[Ile943Met]DDYFDWVKPQ